The following is an entry in ClinVar:

NM_004360.5(CDH1):c.2488C>G (p.Leu830Val)

Gene: CDH1 (cadherin 1; plus strand). Cytogenetic location: 16q22.1.
Variant type: single nucleotide variant.
Coding change: c.2488C>G on transcript NM_004360.5 (MANE Select); coding-DNA position 2488, C replaced by G.
Protein change: p.Leu830Val; replaces leucine 830 with valine.
Molecular consequence: missense variant.
Genome position (GRCh38, 1-based): chr16:68,833,338, C>G. VCF-style: chr16-68833338-C-G. GRCh37 (hg19) VCF-style: chr16-68867241-C-G.
Other names: c.2305C>G, p.Leu769Val (NM_001317184.2); c.940C>G, p.Leu314Val (NM_001317185.2); c.523C>G, p.Leu175Val (NM_001317186.2); short protein forms L830V, L314V, L175V, L769V.
Identifiers: ClinVar variation 3488651 (VCV003488651.1).

ClinVar aggregate classification (germline): Uncertain significance (1 of 4 stars; one submission).

Conditions:
Hereditary cancer-predisposing syndrome. Also called: Tumor predisposition; Neoplastic Syndromes, Hereditary; Hereditary Cancer Syndrome; Hereditary neoplastic syndrome. Identifiers: Orphanet 140162, MedGen C0027672, MeSH D009386, MONDO:0015356.

gnomAD v4.1: 1 of 1,614,096 alleles (0.000062%); highest among the groups gnomAD compares: Admixed American, 0.0017%; no homozygotes.

Submission:

Ambry Genetics
Classification: Uncertain significance for Hereditary cancer-predisposing syndrome. Last evaluated: 2024-09-09. Review status: criteria provided, single submitter. Criteria: Ambry Variant Classification Scheme 2023. Collection method: clinical testing. Allele origin: germline.
Comment: The p.L830V variant (also known as c.2488C>G), located in coding exon 16 of the CDH1 gene, results from a C to G substitution at nucleotide position 2488. The leucine at codon 830 is replaced by valine, an amino acid with highly similar properties. This amino acid position is conserved. In addition, this alteration is predicted to be deleterious by in silico analysis. Based on the available evidence, the clinical significance of this variant remains unclear.